The following is an entry in ClinVar:

ClinVar aggregate classification (germline): Uncertain significance. Review status: criteria provided, multiple submitters, no conflicts (2 of 4 stars). 2 submissions from 2 submitters: Uncertain significance (2). Last evaluated 2024-10-08.

Conditions:
Cardiovascular phenotype. Identifiers: MedGen CN230736.
Ehlers-Danlos syndrome, musculocontractural type (EDSMC). Also called: Adducted thumb, clubfoot, progressive joint and skin laxity syndrome; ARTHROGRYPOSIS, DISTAL, WITH PECULIAR FACIES AND HYDRONEPHROSIS; DUNDAR SYNDROME; ADDUCTED THUMB-CLUBFOOT SYNDROME. Identifiers: Orphanet 2953, MedGen C1866294, MONDO:0011142.

Allele frequency attached by ClinVar (database versions not stated): TOPMed below 0.00001; gnomAD 0.00002; gnomAD exomes 0.00003; 1000 Genomes Project 30x 0.00016; 1000 Genomes Project 0.00020; ExAC 0.00026.
gnomAD v4.1: 41 of 1,537,594 alleles (0.0027%); highest among the groups gnomAD compares: South Asian, 0.049%; no homozygotes.

Submissions (2):

Ambry Genetics
Classification: Uncertain significance for Cardiovascular phenotype. Last evaluated: 2024-10-08. Review status: criteria provided, single submitter. Criteria: Ambry Variant Classification Scheme 2023. Collection method: clinical testing. Allele origin: germline.
Comment: The p.G35A variant (also known as c.104G>C), located in coding exon 1 of the CHST14 gene, results from a G to C substitution at nucleotide position 104. The glycine at codon 35 is replaced by alanine, an amino acid with similar properties. This amino acid position is conserved. In addition, this alteration is predicted to be tolerated by in silico analysis. Since supporting evidence is limited at this time, the clinical significance of this alteration remains unclear.

Labcorp Genetics (formerly Invitae), Labcorp
Classification: Uncertain significance for Ehlers-Danlos syndrome, musculocontractural type. Last evaluated: 2022-06-24. Review status: criteria provided, single submitter. Criteria: Invitae Variant Classification Sherloc (09022015). Collection method: clinical testing. Allele origin: germline.
Comment: This variant has not been reported in the literature in individuals affected with CHST14-related conditions. This sequence change replaces glycine, which is neutral and non-polar, with alanine, which is neutral and non-polar, at codon 35 of the CHST14 protein (p.Gly35Ala). This variant is present in population databases (rs562582335, gnomAD 0.03%). Algorithms developed to predict the effect of missense changes on protein structure and function (SIFT, PolyPhen-2, Align-GVGD) all suggest that this variant is likely to be tolerated. In summary, the available evidence is currently insufficient to determine the role of this variant in disease. Therefore, it has been classified as a Variant of Uncertain Significance.

NM_130468.4(CHST14):c.104G>C (p.Gly35Ala)

Genes: CHST14 (carbohydrate sulfotransferase 14; plus strand), LOC130056851 (ATAC-STARR-seq lymphoblastoid silent region 6336; plus strand). Cytogenetic location: 15q15.1.
Variant type: single nucleotide variant.
Coding change: c.104G>C on transcript NM_130468.4 (MANE Select); coding-DNA position 104, G replaced by C.
Protein change: p.Gly35Ala; replaces glycine 35 with alanine.
Molecular consequence: missense variant.
Genome position (GRCh38, 1-based): chr15:40,471,317, G>C. VCF-style: chr15-40471317-G-C. GRCh37 (hg19) VCF-style: chr15-40763516-G-C.
Other names: short protein forms G35A.
Identifiers: ClinVar variation 1776699 (VCV001776699.7), dbSNP rs562582335, ClinGen allele CA7481549.
Genomic context (GRCh38, chr15:40,471,317, plus strand): 5'-CCGAGCCCCTGGGCCGGGCGCTGAGGCGGGCCCCTCTGGGCAGGGCCCGGGCGGGGCTGG[G>C]TGGGCCGCCCCTGCTGCTGCCGTCCATGCTGATGTTTGCGGTGATCGTGGCCTCCAGCGG-3'
Protein context (NP_569735.1, residues 25-45): APLGRARAGL[Gly35Ala]GPPLLLPSML